The following is an entry in ClinVar:

ClinVar aggregate classification (germline): Uncertain significance (1 of 4 stars; one submission).

Conditions:
SCAPER-related disorder. Also called: SCAPER-related condition.

gnomAD v4.1: 5 of 1,613,846 alleles (0.00031%); highest among the groups gnomAD compares: African/African-American, 0.0053%; no homozygotes.

Submission:

PreventionGenetics, part of Exact Sciences
Classification: Uncertain significance for SCAPER-related condition. Last evaluated: 2025-12-08. Review status: criteria provided, single submitter. Criteria: ACMG Guidelines, 2015. Collection method: clinical testing. Allele origin: germline.
Comment: The SCAPER c.1590A>T variant is not predicted to result in an amino acid change (p.=). This variant is predicted to impact splicing based on splicing prediction programs (SpliceAI, Jaganathan K, et al. 2019. PubMed ID: 30661751). However, the use of computer prediction programs is not equivalent to functional evidence. To our knowledge, this variant has not been reported in the literature or in a large population database (gnomAD), indicating this variant is rare. At this time, the clinical significance of this variant is uncertain due to the absence of conclusive functional and genetic evidence.

NM_020843.4(SCAPER):c.1572A>T (p.Gly524=)

Gene: SCAPER (S-phase cyclin A associated protein in the ER; minus strand). Cytogenetic location: 15q24.3.
Variant type: single nucleotide variant.
Coding change: c.1572A>T on transcript NM_020843.4 (MANE Select); coding-DNA position 1572, A replaced by T.
Protein change: p.Gly524=; no amino-acid change (glycine 524 retained).
Molecular consequence: synonymous variant. On other transcripts: non-coding transcript variant (1).
Genome position (GRCh38, 1-based): chr15:76,765,378, T>A on the plus strand (A>T on the coding strand, the complement: SCAPER is on the minus strand). VCF-style: chr15-76765378-T-A. GRCh37 (hg19) VCF-style: chr15-77057719-T-A.
Other names: c.834A>T, p.Gly278= (NM_001145923.2); c.1590A>T, p.Gly530= (NM_001353009.2); c.1170A>T, p.Gly390= (NM_001353010.2, NM_001353012.2); c.1188A>T, p.Gly396= (NM_001353011.2).
Identifiers: ClinVar variation 4989855 (VCV004989855.1).